The following is an entry in ClinVar:

NC_000009.11:g.(?_36217362)_(36276941_?)dup

Gene: GNE (glucosamine (UDP-N-acetyl)-2-epimerase/N-acetylmannosamine kinase; minus strand). Cytogenetic location: 9p13.3.
Variant type: Duplication.
Identifiers: ClinVar variation 1373585 (VCV001373585.4).

ClinVar aggregate classification (germline): Uncertain significance (1 of 4 stars; one submission).

Conditions:
Sialuria. Also called: Sialic Acid Storage Disease; SIALURIA, FRENCH TYPE. Identifiers: Orphanet 3166, MedGen C0342853, MONDO:0010028, OMIM 269921.
GNE myopathy (NM). Also called: NONAKA DISTAL MYOPATHY; INCLUSION BODY MYOPATHY, HEREDITARY, AUTOSOMAL RECESSIVE; INCLUSION BODY MYOPATHY 2, AUTOSOMAL RECESSIVE; IBM 2; Inclusion body myopathy autosomal recessive; Inclusion body myopathy quadriceps sparing. Identifiers: Orphanet 602, MedGen C1853926, MONDO:0011603, OMIM 605820.

Submission:

Labcorp Genetics (formerly Invitae), Labcorp
Classification: Uncertain significance for Sialuria; GNE myopathy. Last evaluated: 2022-07-13. Review status: criteria provided, single submitter. Criteria: Invitae Variant Classification Sherloc (09022015). Collection method: clinical testing. Allele origin: germline.
Comment: A copy number gain of the genomic region encompassing the full coding sequence of the GNE gene has been identified. The boundaries of this event are unknown as they extend beyond the assayed region for this gene and therefore may encompass additional genes. As the precise location of this event is unknown, it may be in tandem or it may be located elsewhere in the genome. This variant has not been reported in the literature in individuals affected with GNE-related conditions. In summary, the available evidence is currently insufficient to determine the role of this variant in disease. Therefore, it has been classified as a Variant of Uncertain Significance.